The following is an entry in ClinVar:

ClinVar aggregate classification (germline): Pathogenic/Likely pathogenic. Review status: criteria provided, multiple submitters, no conflicts (2 of 4 stars). 2 submissions from 2 submitters: Pathogenic (1); Likely pathogenic (1). Last evaluated 2025-07-03.

Conditions:
MHC class II deficiency. Also called: Bare lymphocyte syndrome 2; BLS, TYPE II. Identifiers: Orphanet 572, MedGen C5447452, MONDO:0008855.

Allele frequency attached by ClinVar (database versions not stated): gnomAD exomes 0.00001.

Submissions (2):

Natera, Inc.
Classification: Likely pathogenic for Bare lymphocyte syndrome type II. Last evaluated: 2025-07-03. Review status: criteria provided, single submitter. Criteria: Natera Variant Classification Schema (03/2026). Collection method: clinical testing. Allele origin: germline.
Comment: The c.1518del variant in CIITA is a frameshift variant predicted to shift the reading frame beginning at codon 507 and leads to a stop codon 51 codons downstream. This variant is expected to result in nonsense mediated decay, truncation, or a dysfunctional protein product. This variant is rare in the general population with a frequency below the threshold expected for the associated phenotype(s). Given the available evidence, this variant is classified as Likely Pathogenic.

Labcorp Genetics (formerly Invitae), Labcorp
Classification: Pathogenic for MHC class II deficiency. Last evaluated: 2022-08-05. Review status: criteria provided, single submitter. Criteria: Invitae Variant Classification Sherloc (09022015). Collection method: clinical testing. Allele origin: germline.
Comment: For these reasons, this variant has been classified as Pathogenic. This variant has not been reported in the literature in individuals affected with CIITA-related conditions. This variant is not present in population databases (gnomAD no frequency). This sequence change creates a premature translational stop signal (p.Gln507Lysfs*51) in the CIITA gene. It is expected to result in an absent or disrupted protein product. Loss-of-function variants in CIITA are known to be pathogenic (PMID: 8402893, 9099848, 26271388).

Literature cited by the submitters: PubMed 8402893 (cited by Labcorp Genetics (formerly Invitae), Labcorp); PubMed 9099848 (cited by Labcorp Genetics (formerly Invitae), Labcorp); PubMed 26271388 (cited by Labcorp Genetics (formerly Invitae), Labcorp).

NM_000246.4(CIITA):c.1518del (p.Gln507fs)

Gene: CIITA (class II major histocompatibility complex transactivator; plus strand). Cytogenetic location: 16p13.13.
Variant type: Deletion.
Coding change: c.1518del on transcript NM_000246.4 (MANE Select); coding-DNA position 1518, one base deleted (G; older notation c.1518delG).
Protein change: p.Gln507fs; shifts the reading frame from glutamine 507.
Molecular consequence: frameshift variant. On other transcripts: intron variant (1).
Genome position (GRCh38, 1-based): chr16:10,907,010, G deleted. VCF-style (leftmost placement, unchanged base first): chr16-10907009-CG-C. GRCh37 (hg19) VCF-style: chr16-11000866-CG-C.
Other names: c.1518delG, p.Gln507Lysfs (NM_000246.3); c.1521del, p.Gln508fs (NM_001286402.1, NM_001379332.1); c.1374del, p.Gln459fs (NM_001379330.1); c.1371del, p.Gln458fs (NM_001379331.1); c.1518del, p.Gln507fs (NM_001379333.1); c.1449del, p.Gln484fs (NM_001379334.1); c.860-1973del (NM_001286403.2); c.1518del (NM_000246.3); short protein forms Q459fs, Q507fs, Q458fs, Q484fs, Q508fs.
Identifiers: ClinVar variation 2084058 (VCV002084058.5), dbSNP rs2544477641, ClinGen allele CA2580090660.